The following is an entry in ClinVar:

NM_004393.6(DAG1):c.49A>G (p.Thr17Ala)

Gene: DAG1 (dystroglycan 1; plus strand). Cytogenetic location: 3p21.31.
Variant type: single nucleotide variant.
Coding change: c.49A>G on transcript NM_004393.6 (MANE Select); coding-DNA position 49, A replaced by G.
Protein change: p.Thr17Ala; replaces threonine 17 with alanine.
Molecular consequence: missense variant.
Genome position (GRCh38, 1-based): chr3:49,510,583, A>G. VCF-style: chr3-49510583-A-G. GRCh37 (hg19) VCF-style: chr3-49548016-A-G.
Other names: c.49A>G, p.Thr17Ala (NM_001165928.4, NM_001177634.3, NM_001177635.3 and 9 more transcripts); short protein forms T17A.
Identifiers: ClinVar variation 1440158 (VCV001440158.7), dbSNP rs760423386, ClinGen allele CA2398812.

ClinVar aggregate classification (germline): Uncertain significance (1 of 4 stars; one submission).

Conditions:
Autosomal recessive limb-girdle muscular dystrophy type 2P. Also called: MUSCULAR DYSTROPHY-DYSTROGLYCANOPATHY, LIMB-GIRDLE, DAG1-RELATED; Limb-Girdle Muscular Dystrophy Type 9C; MUSCULAR DYSTROPHY, LIMB-GIRDLE, TYPE 2P. Identifiers: Orphanet 280333, MedGen C4511963, MONDO:0013440, OMIM 613818.
Muscular dystrophy-dystroglycanopathy (congenital with brain and eye anomalies), type A9. Also called: WALKER-WARBURG SYNDROME OR MUSCLE-EYE BRAIN DISEASE, DAG1-RELATED; Muscular dystrophy-dystroglycanopathy (congenital with brain and eye anomalies), type a, 9. Identifiers: Orphanet 370997, Orphanet 899, MedGen C4225291, MONDO:0014683, OMIM 616538.

Allele frequency attached by ClinVar (database versions not stated): TOPMed 0.00001; gnomAD exomes 0.00002 and 0.00005; ExAC 0.00007.

Submission:

Labcorp Genetics (formerly Invitae), Labcorp
Classification: Uncertain significance for Autosomal recessive limb-girdle muscular dystrophy type 2P; Muscular dystrophy-dystroglycanopathy (congenital with brain and eye anomalies), type A9. Last evaluated: 2024-12-06. Review status: criteria provided, single submitter. Criteria: Invitae Variant Classification Sherloc (09022015). Collection method: clinical testing. Allele origin: germline.
Comment: This sequence change replaces threonine, which is neutral and polar, with alanine, which is neutral and non-polar, at codon 17 of the DAG1 protein (p.Thr17Ala). This variant is present in population databases (rs760423386, gnomAD 0.06%). This variant has not been reported in the literature in individuals affected with DAG1-related conditions. ClinVar contains an entry for this variant (Variation ID: 1440158). An algorithm developed to predict the effect of missense changes on protein structure and function outputs the following: PolyPhen-2: "Benign". The alanine amino acid residue is found in multiple mammalian species, which suggests that this missense change does not adversely affect protein function. In summary, the available evidence is currently insufficient to determine the role of this variant in disease. Therefore, it has been classified as a Variant of Uncertain Significance.